The following is an entry in ClinVar:

NM_194293.4(XIRP1):c.4500C>T (p.Ala1500=)

Gene: XIRP1 (xin actin binding repeat containing 1; minus strand). Cytogenetic location: 3p22.2.
Variant type: single nucleotide variant.
Coding change: c.4500C>T on transcript NM_194293.4 (MANE Select); coding-DNA position 4500, C replaced by T.
Protein change: p.Ala1500=; no amino-acid change (alanine 1500 retained).
Molecular consequence: synonymous variant. On other transcripts: 3 prime UTR variant (1).
Genome position (GRCh38, 1-based): chr3:39,184,946, G>A on the plus strand (C>T on the coding strand, the complement: XIRP1 is on the minus strand). VCF-style: chr3-39184946-G-A. GRCh37 (hg19) VCF-style: chr3-39226437-G-A.
Other names: c.*707C>T (NM_001198621.4); c.549C>T, p.Ala183= (NM_001351377.2).
Identifiers: ClinVar variation 789981 (VCV000789981.7), dbSNP rs61742554, ClinGen allele CA2325835.

ClinVar aggregate classification (germline): Benign. Review status: criteria provided, multiple submitters, no conflicts (2 of 4 stars). 3 submissions from 3 submitters: Benign (2). 1 of the submissions does not count toward it. Last evaluated 2019-12-31.

Conditions:
XIRP1-related disorder. Also called: XIRP1-related condition.

Allele frequency attached by ClinVar (database versions not stated): ESP Exome Variant Server 0.00446; gnomAD 0.00467 and 0.00493; TOPMed 0.00522; 1000 Genomes Project 0.00739; 1000 Genomes Project 30x 0.00843.
gnomAD v4.1: 1,468 of 1,558,992 alleles (0.094%); highest among the groups gnomAD compares: African/African-American, 1.7%; 15 homozygotes.

Submissions (3):

Labcorp Genetics (formerly Invitae), Labcorp
Classification: Benign. Last evaluated: 2019-12-31. Review status: criteria provided, single submitter. Criteria: Invitae Variant Classification Sherloc (09022015). Collection method: clinical testing. Allele origin: germline.

Breakthrough Genomics
Classification: Benign. Review status: criteria provided, single submitter. Criteria: ACMG Guidelines, 2015. Collection method: not provided. Allele origin: germline. Inheritance: Unknown mechanism. Affected: yes.

PreventionGenetics, part of Exact Sciences
Classification: Benign for XIRP1-related condition. Last evaluated: 2019-04-09. Review status: no assertion criteria provided. Collection method: clinical testing. Allele origin: germline. Not counted in ClinVar's aggregate classification.
Comment: This variant is classified as benign based on ACMG/AMP sequence variant interpretation guidelines (Richards et al. 2015 PMID: 25741868, with internal and published modifications).